The following is an entry in ClinVar:

ClinVar aggregate classification (germline): Uncertain significance. Review status: criteria provided, multiple submitters, no conflicts (2 of 4 stars). 2 submissions from 2 submitters: Uncertain significance (2). Last evaluated 2025-01-06.

Submissions (2):

Labcorp Genetics (formerly Invitae), Labcorp
Classification: Uncertain significance. Last evaluated: 2025-01-06. Review status: criteria provided, single submitter. Criteria: Invitae Variant Classification Sherloc (09022015). Collection method: clinical testing. Allele origin: germline.
Comment: This sequence change replaces proline, which is neutral and non-polar, with leucine, which is neutral and non-polar, at codon 541 of the TNS2 protein (p.Pro541Leu). The frequency data for this variant in the population databases is considered unreliable, as metrics indicate poor data quality at this position in the gnomAD database. This variant has not been reported in the literature in individuals affected with TNS2-related conditions. ClinVar contains an entry for this variant (Variation ID: 2959385). An algorithm developed to predict the effect of missense changes on protein structure and function (PolyPhen-2) suggests that this variant is likely to be disruptive. In summary, the available evidence is currently insufficient to determine the role of this variant in disease. Therefore, it has been classified as a Variant of Uncertain Significance.

Ambry Genetics
Classification: Uncertain significance. Last evaluated: 2024-07-25. Review status: criteria provided, single submitter. Criteria: Ambry Variant Classification Scheme 2023. Collection method: clinical testing. Allele origin: germline.

NM_170754.4(TNS2):c.1592C>T (p.Pro531Leu)

Gene: TNS2 (tensin 2; plus strand). Cytogenetic location: 12q13.13.
Variant type: single nucleotide variant.
Coding change: c.1592C>T on transcript NM_170754.4 (MANE Select); coding-DNA position 1592, C replaced by T.
Protein change: p.Pro531Leu; replaces proline 531 with leucine.
Molecular consequence: missense variant.
Genome position (GRCh38, 1-based): chr12:53,059,233, C>T. VCF-style: chr12-53059233-C-T. GRCh37 (hg19) VCF-style: chr12-53453017-C-T.
Other names: c.1622C>T (NM_015319.2); c.1592C>T, p.Pro531Leu (NM_001416202.1); c.1550C>T, p.Pro517Leu (NM_001416203.1); c.1619C>T, p.Pro540Leu (NM_001416204.1); c.1523C>T, p.Pro508Leu (NM_015319.3); c.1220C>T, p.Pro407Leu (NM_198316.2); short protein forms P540L, P407L, P517L, P508L, P531L.
Identifiers: ClinVar variation 2959385 (VCV002959385.4), dbSNP rs900882995, ClinGen allele CA237296676.